The following is an entry in ClinVar:

NM_002890.3(RASA1):c.899+6T>A

Genes: CCNH (cyclin H; minus strand), RASA1 (RAS p21 protein activator 1; plus strand). Cytogenetic location: 5q14.3.
Variant type: single nucleotide variant.
Coding change: c.899+6T>A on transcript NM_002890.3 (MANE Select); 6 bases into the intron after coding-DNA position 899, T replaced by A.
Molecular consequence: intron variant.
Genome position (GRCh38, 1-based): chr5:87,333,343, T>A. VCF-style: chr5-87333343-T-A. GRCh37 (hg19) VCF-style: chr5-86629160-T-A.
Other names: c.368+6T>A (NM_022650.3); c.934-20548A>T (NM_001364075.2).
Identifiers: ClinVar variation 4749961 (VCV004749961.1).

ClinVar aggregate classification (germline): Uncertain significance (1 of 4 stars; one submission).

Conditions:
Capillary malformation-arteriovenous malformation syndrome. Also called: Capillary malformation-arteriovenous malformation. Identifiers: Orphanet 137667, MedGen C1842180, MONDO:0012016.

Submission:

Labcorp Genetics (formerly Invitae), Labcorp
Classification: Uncertain significance for Capillary malformation-arteriovenous malformation syndrome. Last evaluated: 2025-05-17. Review status: criteria provided, single submitter. Criteria: Invitae Variant Classification Sherloc (09022015). Collection method: clinical testing. Allele origin: germline.
Comment: This sequence change falls in intron 4 of the RASA1 gene. It does not directly change the encoded amino acid sequence of the RASA1 protein. It affects a nucleotide within the consensus splice site. This variant is not present in population databases (gnomAD no frequency). This variant has not been reported in the literature in individuals affected with RASA1-related conditions. Variants that disrupt the consensus splice site are a relatively common cause of aberrant splicing (PMID: 17576681, 9536098). Algorithms developed to predict the effect of sequence changes on RNA splicing suggest that this variant is not likely to affect RNA splicing. In summary, the available evidence is currently insufficient to determine the role of this variant in disease. Therefore, it has been classified as a Variant of Uncertain Significance.

Literature cited by the submitters: PubMed 17576681; PubMed 9536098.